The following is an entry in ClinVar:

NM_001110556.2(FLNA):c.3806-2A>G

Gene: FLNA (filamin A; minus strand). Cytogenetic location: Xq28.
Variant type: single nucleotide variant.
Coding change: c.3806-2A>G on transcript NM_001110556.2 (MANE Select); the canonical splice acceptor site of the intron before coding-DNA position 3806, A replaced by G.
Molecular consequence: splice acceptor variant.
Genome position (GRCh38, 1-based): chrX:154,359,907, T>C on the plus strand (A>G on the coding strand, the complement: FLNA is on the minus strand). VCF-style: chrX-154359907-T-C. GRCh37 (hg19) VCF-style: chrX-153588275-T-C.
Other names: NC_000023.10:g.153588275T>C; c.3806-2A>G (NM_001456.4).
Identifiers: ClinVar variation 4478516 (VCV004478516.2).

ClinVar aggregate classification (germline): Likely pathogenic (1 of 4 stars; one submission).

Conditions:
Heterotopia, periventricular, X-linked dominant (PVNH1). Also called: PERIVENTRICULAR NODULAR HETEROTOPIA 1; X-linked periventricular heterotopia; PERIVENTRICULAR NODULAR HETEROTOPIA 4; HETEROTOPIA, PERIVENTRICULAR, 1. Identifiers: Orphanet 2149, Orphanet 82004, MedGen C1848213, MONDO:0010233, OMIM 300049.
Melnick-Needles syndrome (MNS). Also called: MELNICK-NEEDLES OSTEODYSPLASTY; OSTEODYSPLASTY OF MELNICK AND NEEDLES; Melnick-Needles Syndrome (FLNA-MNS). Identifiers: Orphanet 2484, MedGen C0025237, MONDO:0010650, OMIM 309350.
Oto-palato-digital syndrome, type II (OPD2). Also called: FACIOPALATOOSSEOUS SYNDROME; OPD II SYNDROME; Otopalatodigital Syndrome, Type II; Otopalatodigital Syndrome Type 2 (FLNA-OPD2). Identifiers: Orphanet 669, Orphanet 90652, MedGen C1844696, MONDO:0010571, OMIM 304120.
Frontometaphyseal dysplasia (FMD1). Identifiers: Orphanet 1826, MedGen C0265293, MONDO:0015942.

Submissions (3):

Labcorp Genetics (formerly Invitae), Labcorp
Classification: Likely pathogenic for Oto-palato-digital syndrome, type II; Heterotopia, periventricular, X-linked dominant; Frontometaphyseal dysplasia; Melnick-Needles syndrome. Last evaluated: 2025-04-08. Review status: criteria provided, single submitter. Criteria: Invitae Variant Classification Sherloc (09022015). Collection method: clinical testing. Allele origin: germline.
Comment: This sequence change affects an acceptor splice site in intron 22 of the FLNA gene. It is expected to disrupt RNA splicing. Variants that disrupt the donor or acceptor splice site typically lead to a loss of protein function (PMID: 16199547), and loss-of-function variants in FLNA are known to be pathogenic (PMID: 16684786, 20730588, 26471271). This variant is not present in population databases (gnomAD no frequency). This variant has not been reported in the literature in individuals affected with FLNA-related conditions. Algorithms developed to predict the effect of sequence changes on RNA splicing suggest that this variant may disrupt the consensus splice site. In summary, the currently available evidence indicates that the variant is pathogenic, but additional data are needed to prove that conclusively. Therefore, this variant has been classified as Likely Pathogenic.

Dr. Peter K. Rogan Lab, Western University
No classification provided (evidence only). Condition: Thyroid cancer, nonmedullary, 1. Review status: no classification provided. Collection method: in vitro. Allele origin: not applicable. Functional consequence: retained intron. Not counted in ClinVar's aggregate classification.

Dr. Peter K. Rogan Lab, Western University
No classification provided (evidence only). Condition: Thyroid cancer, nonmedullary, 1. Review status: no classification provided. Collection method: in vitro. Allele origin: not applicable. Functional consequence: retained intron. Not counted in ClinVar's aggregate classification.

Literature cited by the submitters: PubMed 16199547 (cited by Labcorp Genetics (formerly Invitae), Labcorp); PubMed 16684786 (cited by Labcorp Genetics (formerly Invitae), Labcorp); PubMed 20730588 (cited by Labcorp Genetics (formerly Invitae), Labcorp); PubMed 26471271 (cited by Labcorp Genetics (formerly Invitae), Labcorp).